The following is an entry in ClinVar:

ClinVar aggregate classification (germline): Uncertain significance (1 of 4 stars; one submission).

Submission:

GeneDx
Classification: Uncertain significance. Last evaluated: 2024-10-24. Review status: criteria provided, single submitter. Criteria: GeneDx Variant Classification Process June 2021. Collection method: clinical testing. Allele origin: germline. Affected: yes.
Comment: Not observed at significant frequency in large population cohorts (gnomAD); In silico analysis supports that this missense variant has a deleterious effect on protein structure/function; Has not been previously published as pathogenic or benign to our knowledge

NM_001244008.2(KIF1A):c.2053A>G (p.Lys685Glu)

Gene: KIF1A (kinesin family member 1A; minus strand). Cytogenetic location: 2q37.3.
Variant type: single nucleotide variant.
Coding change: c.2053A>G on transcript NM_001244008.2 (MANE Select); coding-DNA position 2053, A replaced by G.
Protein change: p.Lys685Glu; replaces lysine 685 with glutamic acid.
Molecular consequence: missense variant.
Genome position (GRCh38, 1-based): chr2:240,762,782, T>C on the plus strand (A>G on the coding strand, the complement: KIF1A is on the minus strand). VCF-style: chr2-240762782-T-C. GRCh37 (hg19) VCF-style: chr2-241702199-T-C.
Other names: c.2053A>G, p.Lys685Glu (NM_001320705.2, NM_001330289.2, NM_001379638.1); c.2128A>G, p.Lys710Glu (NM_001330290.2, NM_001379631.1, NM_001379634.1 and 2 more transcripts); c.2026A>G, p.Lys676Glu (NM_001379632.1, NM_001379633.1, NM_001379636.1 and 10 more transcripts); c.2101A>G, p.Lys701Glu (NM_001379637.1, NM_001379648.1); short protein forms K676E, K685E, K701E, K710E.
Identifiers: ClinVar variation 3893399 (VCV003893399.1).
Genomic context (GRCh38, chr2:240,762,782, plus strand): 5'-CATCCTCGGGCTCCTCCTCCTCCTCGTTCACCTCCGGGTAGTACCTGGAGTCCATCTGCT[T>C]CTGCAGAGCCTCCAGCTTGCTCTCATAGTCCTGCAGAAAGCAAGGCCTGTGACTCCACTA-3'
Protein context (NP_001230937.1, residues 675-695): DYESKLEALQ[Lys685Glu]QMDSRYYPEV